The following is an entry in ClinVar:

NM_024809.5(TCTN2):c.908A>T (p.Gln303Leu)

Gene: TCTN2 (tectonic family member 2; plus strand). Cytogenetic location: 12q24.31.
Variant type: single nucleotide variant.
Coding change: c.908A>T on transcript NM_024809.5 (MANE Select); coding-DNA position 908, A replaced by T.
Protein change: p.Gln303Leu; replaces glutamine 303 with leucine.
Molecular consequence: missense variant.
Genome position (GRCh38, 1-based): chr12:123,690,549, A>T. VCF-style: chr12-123690549-A-T. GRCh37 (hg19) VCF-style: chr12-124175096-A-T.
Other names: c.905A>T, p.Gln302Leu (NM_001143850.3); short protein forms Q303L, Q302L.
Identifiers: ClinVar variation 882885 (VCV000882885.8), dbSNP rs759754931, ClinGen allele CA6861048.

ClinVar aggregate classification (germline): Uncertain significance. Review status: criteria provided, multiple submitters, no conflicts (2 of 4 stars). 3 submissions from 2 submitters: Uncertain significance (3). Last evaluated 2022-07-14.

Conditions:
Meckel-Gruber syndrome. Also called: DYSENCEPHALIA SPLANCHNOCYSTICA; GRUBER SYNDROME; Dysencephalia splachnocystica. Identifiers: Orphanet 564, MedGen C0265215, MONDO:0018921.
Joubert syndrome. Also called: CEREBELLOPARENCHYMAL DISORDER IV; JOUBERT-BOLTSHAUSER SYNDROME; Familial aplasia of the vermis. Identifiers: Orphanet 475, MedGen C5979921, MONDO:0018772.
Joubert syndrome 24 (JBTS24). Identifiers: Orphanet 475, MedGen C4084841, MONDO:0014724, OMIM 616654.
Meckel syndrome, type 8. Identifiers: Orphanet 564, MedGen C3836857, MONDO:0013482, OMIM 613885.

Allele frequency attached by ClinVar (database versions not stated): ExAC 0.00001; gnomAD 0.00001; gnomAD exomes 0.00001.
gnomAD v4.1: 4 of 1,614,092 alleles (0.00025%); highest among the groups gnomAD compares: Non-Finnish European, 0.00034%; no homozygotes.

Submissions (3):

Labcorp Genetics (formerly Invitae), Labcorp
Classification: Uncertain significance for Joubert syndrome; Meckel-Gruber syndrome. Last evaluated: 2022-07-14. Review status: criteria provided, single submitter. Criteria: Invitae Variant Classification Sherloc (09022015). Collection method: clinical testing. Allele origin: germline.
Comment: In summary, the available evidence is currently insufficient to determine the role of this variant in disease. Therefore, it has been classified as a Variant of Uncertain Significance. Algorithms developed to predict the effect of missense changes on protein structure and function (SIFT, PolyPhen-2, Align-GVGD) all suggest that this variant is likely to be tolerated. ClinVar contains an entry for this variant (Variation ID: 882885). This variant has not been reported in the literature in individuals affected with TCTN2-related conditions. This variant is present in population databases (rs759754931, gnomAD 0.002%). This sequence change replaces glutamine, which is neutral and polar, with leucine, which is neutral and non-polar, at codon 303 of the TCTN2 protein (p.Gln303Leu).

Illumina Laboratory Services, Illumina
Classification: Uncertain significance for Meckel syndrome, type 8. Last evaluated: 2018-01-13. Review status: criteria provided, single submitter. Criteria: ICSL Variant Classification Criteria 13 December 2019. Collection method: clinical testing. Allele origin: germline.

Illumina Laboratory Services, Illumina
Classification: Uncertain significance for Joubert syndrome 24. Last evaluated: 2018-01-13. Review status: criteria provided, single submitter. Criteria: ICSL Variant Classification Criteria 13 December 2019. Collection method: clinical testing. Allele origin: germline.